The following is an entry in ClinVar:

NM_020975.6(RET):c.426T>C (p.Cys142=)

Gene: RET (ret proto-oncogene; plus strand). Cytogenetic location: 10q11.21.
Variant type: single nucleotide variant.
Coding change: c.426T>C on transcript NM_020975.6 (MANE Select); coding-DNA position 426, T replaced by C.
Protein change: p.Cys142=; no amino-acid change (cysteine 142 retained).
Molecular consequence: synonymous variant. On other transcripts: intron variant (22).
Genome position (GRCh38, 1-based): chr10:43,102,430, T>C. VCF-style: chr10-43102430-T-C. GRCh37 (hg19) VCF-style: chr10-43597878-T-C.
Other names: c.426T>C, p.Cys142= (NM_000323.2, NM_001406743.1, NM_001406744.1 and 16 more transcripts); c.338-41T>C (NM_001406764.1, NM_001406762.1, NM_001406761.1 and 4 more transcripts); c.337+1708T>C (NM_001406770.1, NM_001406766.1, NM_001406767.1 and 8 more transcripts); c.74-6601T>C (NM_001406784.1); c.74-9669T>C (NM_001406794.1, NM_001406792.1, NM_001406793.1).
Identifiers: ClinVar variation 3073409 (VCV003073409.1), dbSNP rs2132680197, ClinGen allele CA469279374.

ClinVar aggregate classification (germline): Likely benign (1 of 4 stars; one submission).

Conditions:
Multiple endocrine neoplasia, type 2 (MEN2). Identifiers: Orphanet 653, MedGen C4048306, MONDO:0019003. Disease mechanism: gain of function.

Submission:

All of Us Research Program, National Institutes of Health
Classification: Likely benign for Multiple endocrine neoplasia, type 2. Last evaluated: 2023-09-17. Review status: criteria provided, single submitter. Criteria: ACMG Guidelines, 2015. Collection method: clinical testing. Allele origin: germline. Inheritance: Autosomal dominant inheritance. Observed: 1 variant allele, 1 heterozygote.
Comment: This study involves interpretation of variants in research participants for the purpose of population health screening. Participant phenotype was not available at the time of variant classification. Additional details can be found in publication PMID: 35346344, PMCID: PMC8962531